The following is an entry in ClinVar:

NM_001370658.1(BTD):c.79G>C (p.Glu27Gln)

Gene: BTD (biotinidase; plus strand). Cytogenetic location: 3p25.1.
Variant type: single nucleotide variant.
Coding change: c.79G>C on transcript NM_001370658.1 (MANE Select); coding-DNA position 79, G replaced by C.
Protein change: p.Glu27Gln; replaces glutamic acid 27 with glutamine.
Molecular consequence: missense variant.
Genome position (GRCh38, 1-based): chr3:15,635,518, G>C. VCF-style: chr3-15635518-G-C. GRCh37 (hg19) VCF-style: chr3-15677025-G-C.
Other names: c.79G>C, p.Glu27Gln (NM_001407380.1, NM_001407381.1, NM_001407382.1 and 37 more transcripts); short protein forms E27Q.
Identifiers: ClinVar variation 3623899 (VCV003623899.2).
Genomic context (GRCh38, chr3:15,635,518, plus strand): 5'-AAGCTTGCTCTTTTCCTCTGCGGCTGTTACGTGGTTGCCCTGGGAGCCCACACCGGGGAG[G>C]AGAGCGTGGCTGACCATCACGAGGCTGAATATTATGTGGCTGCCGTGTATGAGCATCCAT-3'
Protein context (NP_001357587.1, residues 17-37): VVALGAHTGE[Glu27Gln]SVADHHEAEY

ClinVar aggregate classification (germline): Uncertain significance (1 of 4 stars; one submission).

Conditions:
Biotinidase deficiency. Also called: BTD deficiency; Late-onset biotin-responsive multiple carboxylase deficiency; Biotin deficiency. Identifiers: Orphanet 79241, MedGen C0220754, MONDO:0009665, OMIM 253260.

gnomAD v4.1: 1 of 1,614,166 alleles (0.000062%); highest among the groups gnomAD compares: Non-Finnish European, 0.000085%; no homozygotes.

Submission:

Labcorp Genetics (formerly Invitae), Labcorp
Classification: Uncertain significance for Biotinidase deficiency. Last evaluated: 2024-04-08. Review status: criteria provided, single submitter. Criteria: Invitae Variant Classification Sherloc (09022015). Collection method: clinical testing. Allele origin: germline.
Comment: This sequence change replaces glutamic acid, which is acidic and polar, with glutamine, which is neutral and polar, at codon 47 of the BTD protein (p.Glu47Gln). This variant is not present in population databases (gnomAD no frequency). This variant has not been reported in the literature in individuals affected with BTD-related conditions. Advanced modeling of protein sequence and biophysical properties (such as structural, functional, and spatial information, amino acid conservation, physicochemical variation, residue mobility, and thermodynamic stability) performed at Invitae indicates that this missense variant is not expected to disrupt BTD protein function with a negative predictive value of 80%. In summary, the available evidence is currently insufficient to determine the role of this variant in disease. Therefore, it has been classified as a Variant of Uncertain Significance.